The following is an entry in ClinVar:

ClinVar aggregate classification (germline): Likely pathogenic (1 of 4 stars; one submission).

Conditions:
ZNF699-related disorder. Also called: ZNF699-related condition.

Submission:

PreventionGenetics, part of Exact Sciences
Classification: Likely pathogenic for ZNF699-related condition. Last evaluated: 2023-06-22. Review status: criteria provided, single submitter. Criteria: ACMG Guidelines, 2015. Collection method: clinical testing. Allele origin: germline.
Comment: The ZNF699 c.1100_1101delAG variant is predicted to result in a frameshift and premature protein termination (p.Glu367Valfs*25). To our knowledge, this variant has not been reported in the literature or in a large population database, indicating this variant is rare. This variant occurs within the last exon, however downstream protein truncating causative variants have been reported (Bertoli-Avella et al. 2021. PubMed ID: 33875846; Biela et al. 2022. PubMed ID: 35205213). Frameshift variants in ZNF699 are expected to be pathogenic. This variant is interpreted as likely pathogenic.

NM_198535.3(ZNF699):c.1100_1101del (p.Glu367fs)

Gene: ZNF699 (zinc finger protein 699; minus strand). Cytogenetic location: 19p13.2.
Variant type: Microsatellite.
Coding change: c.1100_1101del on transcript NM_198535.3 (MANE Select); coding-DNA positions 1100 to 1101, 2 bases deleted (AG; older notation c.1100_1101delAG).
Protein change: p.Glu367fs; shifts the reading frame from glutamic acid 367.
Molecular consequence: frameshift variant.
Genome position (GRCh38, 1-based): chr19:9,296,303-9,296,304, CT deleted on the plus strand (AG on the coding strand, the reverse complement: ZNF699 is on the minus strand); deleting any 2 consecutive bases within chr19:9,296,303-9,296,306 gives the same sequence; the c. name uses the placement nearest the transcript's 3' end. VCF-style (leftmost placement, unchanged base first): chr19-9296302-ACT-A. GRCh37 (hg19) VCF-style: chr19-9406978-ACT-A.
Other names: short protein forms E367fs.
Identifiers: ClinVar variation 2632595 (VCV002632595.1), dbSNP rs2513391862, ClinGen allele CA2588237472.